The following is an entry in ClinVar:

ClinVar aggregate classification (germline): Uncertain significance (0 of 4 stars; one submission).

Allele frequency attached by ClinVar (database versions not stated): gnomAD exomes below 0.00001; gnomAD 0.00001.
gnomAD v4.1: 4 of 1,613,816 alleles (0.00025%); highest among the groups gnomAD compares: Non-Finnish European, 0.00017%; no homozygotes.

Submission:

Department of Pathology and Laboratory Medicine, Sinai Health System
Classification: Uncertain significance. Review status: no assertion criteria provided. Collection method: clinical testing. Allele origin: unknown. Affected: yes. Study: The Canadian Open Genetics Repository (COGR).
Comment: The NPRL2 c.1075+4G>A variant was not identified in the literature nor was it identified in ClinVar. The variant was identified in dbSNP (ID: rs1243049905) and in control databases in 1 of 250990 chromosomes at a frequency of 0.000003984 (Genome Aggregation Database March 6, 2019, v2.1.1). The variant was observed in the European (non-Finnish) population in 1 of 113384 chromosomes (freq: 0.000009), but was not observed in the African, Latino, Ashkenazi Jewish, East Asian, European (Finnish), Other, or South Asian populations. The c.1075+4G>A variant is located in the 5' splice region but does not affect the invariant +1 and +2 positions. However, positions +3 to +6 are part of the splicing consensus sequence and variants involving these positions sometimes affect splicing. In addition, 3 of 4 in silico or computational prediction software programs (SpliceSiteFinder, MaxEntScan, NNSPLICE, GeneSplicer) predict a greater than 10% difference in splicing. However, this has not been confirmed by RNA analysis and is not predictive enough to assume pathogenicity. In summary, based on the above information the clinical significance of this variant cannot be determined with certainty at this time. This variant is classified as a variant of uncertain significance.

NM_006545.5(NPRL2):c.1075+4G>A

Gene: NPRL2 (NPR2 like, GATOR1 complex subunit; minus strand). Cytogenetic location: 3p21.31.
Variant type: single nucleotide variant.
Coding change: c.1075+4G>A on transcript NM_006545.5 (MANE Select); 4 bases into the intron after coding-DNA position 1075, G replaced by A.
Molecular consequence: intron variant.
Genome position (GRCh38, 1-based): chr3:50,347,755, C>T on the plus strand (G>A on the coding strand, the complement: NPRL2 is on the minus strand). VCF-style: chr3-50347755-C-T. GRCh37 (hg19) VCF-style: chr3-50385186-C-T.
Identifiers: ClinVar variation 1050753 (VCV001050753.1), dbSNP rs1243049905, ClinGen allele CA543053943.